The following is an entry in ClinVar:

NM_016955.4(SEPSECS):c.*223G>A

Gene: SEPSECS (Sep (O-phosphoserine) tRNA:Sec (selenocysteine) tRNA synthase; minus strand). Cytogenetic location: 4p15.2.
Variant type: single nucleotide variant.
Coding change: c.*223G>A on transcript NM_016955.4 (MANE Select); 223 bases downstream of the stop codon, G replaced by A.
Molecular consequence: 3 prime UTR variant.
Genome position (GRCh38, 1-based): chr4:25,123,708, C>T on the plus strand (G>A on the coding strand, the complement: SEPSECS is on the minus strand). VCF-style: chr4-25123708-C-T. GRCh37 (hg19) VCF-style: chr4-25125330-C-T.
Identifiers: ClinVar variation 902753 (VCV000902753.4), dbSNP rs146860744, ClinGen allele CA93609472.

ClinVar aggregate classification (germline): Benign (1 of 4 stars; one submission).

Conditions:
Pontocerebellar hypoplasia type 2D (PCH2D). Also called: Progressive cerebello-cerebral atrophy. Identifiers: Orphanet 247198, Orphanet 2524, MedGen C3151140, MONDO:0013438, OMIM 613811.

Allele frequency attached by ClinVar (database versions not stated): gnomAD 0.00051 and 0.00076; TOPMed 0.00173; 1000 Genomes Project 30x 0.00328; 1000 Genomes Project 0.00379.
gnomAD v4.1: 770 of 536,948 alleles (0.14%); highest among the groups gnomAD compares: East Asian, 2.1%; 6 homozygotes.

Submission:

Illumina Laboratory Services, Illumina
Classification: Benign for Pontocerebellar hypoplasia type 2D. Last evaluated: 2017-04-27. Review status: criteria provided, single submitter. Criteria: ICSL Variant Classification Criteria 13 December 2019. Collection method: clinical testing. Allele origin: germline.
Comment: This variant was observed as part of a predisposition screen in an ostensibly healthy population. A literature search was performed for the gene, cDNA change, and amino acid change (where applicable). No publications were found based on this search. Allele frequency data from public databases was too high to be consistent with this variant causing disease. Therefore, this variant is classified as benign.